The following is an entry in ClinVar:

ClinVar aggregate classification (germline): Uncertain significance (1 of 4 stars; one submission).

Allele frequency attached by ClinVar (database versions not stated): gnomAD exomes below 0.00001.
gnomAD v4.1: 1 of 1,613,992 alleles (0.000062%); highest among the groups gnomAD compares: Admixed American, 0.0017%; no homozygotes.

Submission:

Labcorp Genetics (formerly Invitae), Labcorp
Classification: Uncertain significance. Last evaluated: 2022-07-19. Review status: criteria provided, single submitter. Criteria: Invitae Variant Classification Sherloc (09022015). Collection method: clinical testing. Allele origin: germline.
Comment: This sequence change replaces glutamic acid, which is acidic and polar, with lysine, which is basic and polar, at codon 1977 of the USH2A protein (p.Glu1977Lys). This variant is present in population databases (no rsID available, gnomAD 0.003%). In summary, the available evidence is currently insufficient to determine the role of this variant in disease. Therefore, it has been classified as a Variant of Uncertain Significance. Algorithms developed to predict the effect of missense changes on protein structure and function output the following: SIFT: "Tolerated"; PolyPhen-2: "Benign"; Align-GVGD: "Class C0". The lysine amino acid residue is found in multiple mammalian species, which suggests that this missense change does not adversely affect protein function. ClinVar contains an entry for this variant (Variation ID: 1448309). This variant has not been reported in the literature in individuals affected with USH2A-related conditions.

NM_206933.4(USH2A):c.5929G>A (p.Glu1977Lys)

Gene: USH2A (usherin; minus strand). Cytogenetic location: 1q41.
Variant type: single nucleotide variant.
Coding change: c.5929G>A on transcript NM_206933.4 (MANE Select); coding-DNA position 5929, G replaced by A.
Protein change: p.Glu1977Lys; replaces glutamic acid 1977 with lysine.
Molecular consequence: missense variant.
Genome position (GRCh38, 1-based): chr1:216,070,221, C>T on the plus strand (G>A on the coding strand, the complement: USH2A is on the minus strand). VCF-style: chr1-216070221-C-T. GRCh37 (hg19) VCF-style: chr1-216243563-C-T.
Other names: short protein forms E1977K.
Identifiers: ClinVar variation 1448309 (VCV001448309.6), dbSNP rs1453112061, ClinGen allele CA344862146.